The following is an entry in ClinVar:

NM_022168.4(IFIH1):c.177T>C (p.Val59=)

Gene: IFIH1 (interferon induced with helicase C domain 1; minus strand). Cytogenetic location: 2q24.2.
Variant type: single nucleotide variant.
Coding change: c.177T>C on transcript NM_022168.4 (MANE Select); coding-DNA position 177, T replaced by C.
Protein change: p.Val59=; no amino-acid change (valine 59 retained).
Molecular consequence: synonymous variant.
Genome position (GRCh38, 1-based): chr2:162,318,131, A>G on the plus strand (T>C on the coding strand, the complement: IFIH1 is on the minus strand). VCF-style: chr2-162318131-A-G. GRCh37 (hg19) VCF-style: chr2-163174641-A-G.
Other names: p.Val59=; c.177T>C, p.Val59= (LRG_1235t1).
Identifiers: ClinVar variation 541785 (VCV000541785.17), dbSNP rs115500208, ClinGen allele CA1934886.

ClinVar aggregate classification (germline): Benign/Likely benign. Review status: criteria provided, multiple submitters, no conflicts (2 of 4 stars). 6 submissions from 6 submitters: Benign (4); Likely benign (2). Last evaluated 2026-01-28.

Conditions:
Aicardi-Goutieres syndrome 7 (AGS7). Identifiers: Orphanet 51, MedGen C3888244, MONDO:0014367, OMIM 615846.
Immunodeficiency 95 (IMD95). Identifiers: MedGen C5676929, MONDO:0030692, OMIM 619773.
Singleton-Merten syndrome 1 (SGMRT1). Also called: Widened medullary cavities of bone, aortic calcification, abnormal dentition, and muscular weakness; Syndrome of widened medullary cavities of the metacarpals and phalanges, aortic calcification and abnormal dentition. Identifiers: Orphanet 85191, MedGen C4225427, MONDO:0024535, OMIM 182250.

Allele frequency attached by ClinVar (database versions not stated): gnomAD exomes 0.00181; ExAC 0.00235; 1000 Genomes Project 0.00599; 1000 Genomes Project 30x 0.00656; gnomAD 0.00760 and 0.00826; TOPMed 0.00800; ESP Exome Variant Server 0.00838.
gnomAD v4.1: 2,054 of 1,614,170 alleles (0.13%); highest among the groups gnomAD compares: African/African-American, 2.5%; 15 homozygotes.

Submissions (6):

Labcorp Genetics (formerly Invitae), Labcorp
Classification: Benign for Aicardi-Goutieres syndrome 7; Singleton-Merten syndrome 1. Last evaluated: 2026-01-28. Review status: criteria provided, single submitter. Criteria: Invitae Variant Classification Sherloc (09022015). Collection method: clinical testing. Allele origin: germline.

Women's Health and Genetics/Laboratory Corporation of America, LabCorp
Classification: Benign. Last evaluated: 2026-01-23. Review status: criteria provided, single submitter. Criteria: LabCorp Variant Classification Summary - May 2015. Collection method: clinical testing. Allele origin: germline.

Mayo Clinic Laboratories, Mayo Clinic
Classification: Benign. Last evaluated: 2025-07-29. Review status: criteria provided, single submitter. Criteria: ACMG Guidelines, 2015. Collection method: clinical testing. Allele origin: germline. Observed: 2 variant alleles.
Comment: BS1, BS2, BP4, BP7

Blueprint Genetics
Classification: Likely benign. Last evaluated: 2024-07-18. Review status: criteria provided, single submitter. Criteria: ACMG Guidelines, 2015. Collection method: clinical testing. Allele origin: germline.

Fulgent Genetics
Classification: Likely benign for Singleton-Merten syndrome 1; Aicardi-Goutieres syndrome 7; Immunodeficiency 95. Last evaluated: 2022-05-17. Review status: criteria provided, single submitter. Criteria: ACMG Guidelines, 2015. Collection method: clinical testing. Allele origin: unknown.

Breakthrough Genomics
Classification: Benign. Review status: criteria provided, single submitter. Criteria: ACMG Guidelines, 2015. Collection method: not provided. Allele origin: germline. Inheritance: Autosomal recessive inheritance. Affected: yes.